The following is an entry in ClinVar:

NM_201384.3(PLEC):c.2833G>A (p.Gly945Ser)

Gene: PLEC (plectin; minus strand). Cytogenetic location: 8q24.3.
Variant type: single nucleotide variant.
Coding change: c.2833G>A on transcript NM_201384.3 (MANE Select); coding-DNA position 2833, G replaced by A.
Protein change: p.Gly945Ser; replaces glycine 945 with serine.
Molecular consequence: missense variant.
Genome position (GRCh38, 1-based): chr8:143,929,736, C>T on the plus strand (G>A on the coding strand, the complement: PLEC is on the minus strand). VCF-style: chr8-143929736-C-T. GRCh37 (hg19) VCF-style: chr8-145003904-C-T.
Other names: c.2914G>A, p.Gly972Ser (NM_000445.5); c.2791G>A, p.Gly931Ser (NM_201378.4); c.2767G>A, p.Gly923Ser (NM_201379.3); c.3244G>A, p.Gly1082Ser (NM_201380.4); c.2737G>A, p.Gly913Ser (NM_201381.3); c.2833G>A, p.Gly945Ser (NM_201382.4); c.2845G>A, p.Gly949Ser (NM_201383.3); c.2914G>A (NM_000445.3); short protein forms G913S, G923S, G949S, G972S, G945S, G1082S, G931S.
Identifiers: ClinVar variation 471563 (VCV000471563.14), dbSNP rs371683315, ClinGen allele CA4927330.

ClinVar aggregate classification (germline): Uncertain significance. Review status: criteria provided, multiple submitters, no conflicts (2 of 4 stars). 4 submissions from 4 submitters: Uncertain significance (4). Last evaluated 2025-09-12.

Conditions:
Epidermolysis bullosa simplex with nail dystrophy (EBS5D). Identifiers: MedGen C4225309, MONDO:0014661, OMIM 616487.
Epidermolysis bullosa simplex, Ogna type (EBS5A). Also called: Pidermolysis bullosa simplex 5A, Ogna type; EPIDERMOLYSIS BULLOSA SIMPLEX 5A, OGNA TYPE. Identifiers: Orphanet 79401, MedGen C0432317, MONDO:0007555, OMIM 131950.
Autosomal recessive limb-girdle muscular dystrophy type 2Q (LGMDR17). Also called: MUSCULAR DYSTROPHY, LIMB-GIRDLE, AUTOSOMAL RECESSIVE 17. Identifiers: Orphanet 254361, MedGen C3150989, MONDO:0013390, OMIM 613723.
Epidermolysis bullosa simplex 5C, with pyloric atresia (EBS5C). Also called: PLEC-Related Epidermolysis Bullosa with Pyloric Atresia; Epidermolysis bullosa simplex with pyloric atresia; PLEC1-Related Epidermolysis Bullosa with Pyloric Atresia. Identifiers: Orphanet 158684, MedGen C2677349, MONDO:0012807, OMIM 612138.
Epidermolysis bullosa simplex 5B, with muscular dystrophy (EBS5B). Also called: EPIDERMOLYSIS BULLOSA SIMPLEX AND LIMB-GIRDLE MUSCULAR DYSTROPHY; Epidermolysis bullosa simplex with muscular dystrophy. Identifiers: Orphanet 257, MedGen C2931072, MONDO:0009181, OMIM 226670.
Inborn genetic diseases. Identifiers: MedGen C0950123, MeSH D030342.

Allele frequency attached by ClinVar (database versions not stated): ExAC 0.00004; gnomAD 0.00004; gnomAD exomes 0.00004; TOPMed 0.00004; ESP Exome Variant Server 0.00008.
gnomAD v4.1: 33 of 1,599,206 alleles (0.0021%); highest among the groups gnomAD compares: African/African-American, 0.015%; no homozygotes.

Submissions (4):

Labcorp Genetics (formerly Invitae), Labcorp
Classification: Uncertain significance for Autosomal recessive limb-girdle muscular dystrophy type 2Q; Epidermolysis bullosa simplex, Ogna type; Epidermolysis bullosa simplex with nail dystrophy; Epidermolysis bullosa simplex 5C, with pyloric atresia; Epidermolysis bullosa simplex 5B, with muscular dystrophy. Last evaluated: 2025-09-12. Review status: criteria provided, single submitter. Criteria: Invitae Variant Classification Sherloc (09022015). Collection method: clinical testing. Allele origin: germline.
Comment: This sequence change replaces glycine, which is neutral and non-polar, with serine, which is neutral and polar, at codon 972 of the PLEC protein (p.Gly972Ser). This variant is present in population databases (rs371683315, gnomAD 0.02%). This variant has not been reported in the literature in individuals affected with PLEC-related conditions. ClinVar contains an entry for this variant (Variation ID: 471563). Invitae Evidence Modeling of protein sequence and biophysical properties (such as structural, functional, and spatial information, amino acid conservation, physicochemical variation, residue mobility, and thermodynamic stability) indicates that this missense variant is not expected to disrupt PLEC protein function with a negative predictive value of 80%. In summary, the available evidence is currently insufficient to determine the role of this variant in disease. Therefore, it has been classified as a Variant of Uncertain Significance.

Ambry Genetics
Classification: Uncertain significance for Inborn genetic diseases. Last evaluated: 2024-06-13. Review status: criteria provided, single submitter. Criteria: Ambry Variant Classification Scheme 2023. Collection method: clinical testing. Allele origin: germline.

Revvity Omics, Revvity
Classification: Uncertain significance. Last evaluated: 2022-07-26. Review status: criteria provided, single submitter. Criteria: ACMG Guidelines, 2015. Collection method: clinical testing. Allele origin: germline.

Eurofins Ntd Llc (ga)
Classification: Uncertain significance. Last evaluated: 2017-12-28. Review status: criteria provided, single submitter. Criteria: EGL Classification Definitions 2015. Collection method: clinical testing. Allele origin: germline. Observed: 2 variant alleles, 2 heterozygotes.